The following is an entry in ClinVar:

NM_000718.4(CACNA1B):c.2848G>A (p.Ala950Thr)

Gene: CACNA1B (calcium voltage-gated channel subunit alpha1 B; plus strand). Cytogenetic location: 9q34.3.
Variant type: single nucleotide variant.
Coding change: c.2848G>A on transcript NM_000718.4 (MANE Select); coding-DNA position 2848, G replaced by A.
Protein change: p.Ala950Thr; replaces alanine 950 with threonine.
Molecular consequence: missense variant.
Genome position (GRCh38, 1-based): chr9:138,023,591, G>A. VCF-style: chr9-138023591-G-A. GRCh37 (hg19) VCF-style: chr9-140918043-G-A.
Other names: c.2848G>A, p.Ala950Thr (NM_001243812.2); c.2848G>A (NM_000718.3); short protein forms A950T.
Identifiers: ClinVar variation 1436492 (VCV001436492.6), dbSNP rs972499386, ClinGen allele CA201830484.

ClinVar aggregate classification (germline): Uncertain significance. Review status: criteria provided, multiple submitters, no conflicts (2 of 4 stars). 3 submissions from 3 submitters: Uncertain significance (3). Last evaluated 2025-08-28.

Allele frequency attached by ClinVar (database versions not stated): TOPMed 0.00003; gnomAD 0.00004 and 0.00007; gnomAD exomes 0.00006; 1000 Genomes Project 30x 0.00016.

Submissions (3):

Ambry Genetics
Classification: Uncertain significance. Last evaluated: 2025-08-28. Review status: criteria provided, single submitter. Criteria: Ambry Variant Classification Scheme 2023. Collection method: clinical testing. Allele origin: germline.

Labcorp Genetics (formerly Invitae), Labcorp
Classification: Uncertain significance. Last evaluated: 2022-04-25. Review status: criteria provided, single submitter. Criteria: Invitae Variant Classification Sherloc (09022015). Collection method: clinical testing. Allele origin: germline.
Comment: This sequence change replaces alanine, which is neutral and non-polar, with threonine, which is neutral and polar, at codon 950 of the CACNA1B protein (p.Ala950Thr). This variant is not present in population databases (gnomAD no frequency). This variant has not been reported in the literature in individuals affected with CACNA1B-related conditions. Advanced modeling of protein sequence and biophysical properties (such as structural, functional, and spatial information, amino acid conservation, physicochemical variation, residue mobility, and thermodynamic stability) performed at Invitae indicates that this missense variant is not expected to disrupt CACNA1B protein function. In summary, the available evidence is currently insufficient to determine the role of this variant in disease. Therefore, it has been classified as a Variant of Uncertain Significance.

Laboratorio de Genetica e Diagnostico Molecular, Hospital Israelita Albert Einstein
Classification: Uncertain significance. Last evaluated: 2021-04-05. Review status: criteria provided, single submitter. Criteria: ACMG Guidelines, 2015. Collection method: clinical testing. Allele origin: germline. Affected: yes.
Comment: ACMG classification criteria: PM2, BP4